The following is an entry in ClinVar:

ClinVar aggregate classification (germline): Uncertain significance (1 of 4 stars; one submission).

Conditions:
CSF3R-related disorder. Also called: CSF3R-related condition.

Submission:

PreventionGenetics, part of Exact Sciences
Classification: Uncertain significance for CSF3R-related condition. Last evaluated: 2025-07-18. Review status: criteria provided, single submitter. Criteria: ACMG Guidelines, 2015. Collection method: clinical testing. Allele origin: germline.
Comment: The CSF3R c.2045C>G variant is predicted to result in the amino acid substitution p.Pro682Arg. This variant is also known as c.2041-77C>G (Intronic) on an alternate transcript NM_000760. This variant is not predicted to affect splicing based on available splicing prediction programs (SpliceAI, Jaganathan et al. 2019. PubMed ID: 30661751), however, such computer prediction programs are imperfect. To our knowledge, this variant has not been reported in the literature or in a large population database (gnomAD), indicating this variant is rare. At the time of reporting, this variant has not been classified in ClinVar. At this time, the clinical significance of this variant is uncertain due to the absence of conclusive functional and genetic evidence.

NM_000760.4(CSF3R):c.2041-77C>G

Gene: CSF3R (colony stimulating factor 3 receptor; minus strand). Cytogenetic location: 1p34.3.
Variant type: single nucleotide variant.
Coding change: c.2041-77C>G on transcript NM_000760.4 (MANE Select); 77 bases into the intron before coding-DNA position 2041, C replaced by G.
Molecular consequence: intron variant. On other transcripts: missense variant (1).
Genome position (GRCh38, 1-based): chr1:36,466,904, G>C on the plus strand (C>G on the coding strand, the complement: CSF3R is on the minus strand). VCF-style: chr1-36466904-G-C. GRCh37 (hg19) VCF-style: chr1-36932505-G-C.
Other names: c.2045C>G, p.Pro682Arg (NM_156039.3); c.2041-77C>G (NM_172313.3); short protein forms P682R.
Identifiers: ClinVar variation 4985518 (VCV004985518.1).